The following is an entry in ClinVar:

ClinVar aggregate classification (germline): Uncertain significance (1 of 4 stars; one submission).

Allele frequency attached by ClinVar (database versions not stated): TOPMed below 0.00001; ExAC 0.00001; gnomAD 0.00001; gnomAD exomes 0.00001 and 0.00002.
gnomAD v4.1: 35 of 1,614,004 alleles (0.0022%); highest among the groups gnomAD compares: Non-Finnish European, 0.0028%; no homozygotes.

Submission:

Labcorp Genetics (formerly Invitae), Labcorp
Classification: Uncertain significance. Last evaluated: 2021-05-28. Review status: criteria provided, single submitter. Criteria: Invitae Variant Classification Sherloc (09022015). Collection method: clinical testing. Allele origin: germline.
Comment: This sequence change replaces proline with leucine at codon 203 of the MERTK protein (p.Pro203Leu). The proline residue is highly conserved and there is a moderate physicochemical difference between proline and leucine. This variant is present in population databases (rs759512756, ExAC 0.001%). In summary, the available evidence is currently insufficient to determine the role of this variant in disease. Therefore, it has been classified as a Variant of Uncertain Significance. Algorithms developed to predict the effect of missense changes on protein structure and function (SIFT, PolyPhen-2, Align-GVGD) all suggest that this variant is likely to be disruptive, but these predictions have not been confirmed by published functional studies and their clinical significance is uncertain. This variant has not been reported in the literature in individuals with MERTK-related conditions.

NM_006343.3(MERTK):c.608C>T (p.Pro203Leu)

Gene: MERTK (MER proto-oncogene, tyrosine kinase; plus strand). Cytogenetic location: 2q13.
Variant type: single nucleotide variant.
Coding change: c.608C>T on transcript NM_006343.3 (MANE Select); coding-DNA position 608, C replaced by T.
Protein change: p.Pro203Leu; replaces proline 203 with leucine.
Molecular consequence: missense variant.
Genome position (GRCh38, 1-based): chr2:111,947,418, C>T. VCF-style: chr2-111947418-C-T. GRCh37 (hg19) VCF-style: chr2-112704995-C-T.
Other names: short protein forms P203L.
Identifiers: ClinVar variation 1397888 (VCV001397888.8), dbSNP rs759512756, ClinGen allele CA1831113.